The following is an entry in ClinVar:

ClinVar aggregate classification (germline): Likely pathogenic. Review status: criteria provided, multiple submitters, no conflicts (2 of 4 stars). 2 submissions from 2 submitters: Likely pathogenic (2). Last evaluated 2024-07-26.

Conditions:
Cardiovascular phenotype. Identifiers: MedGen CN230736.
Autosomal recessive limb-girdle muscular dystrophy type 2J (LGMDR10). Also called: MUSCULAR DYSTROPHY, LIMB-GIRDLE, AUTOSOMAL RECESSIVE 10; Limb-girdle muscular dystrophy, type 2J. Identifiers: Orphanet 140922, MedGen C1837342, MONDO:0012127, OMIM 608807.
Dilated cardiomyopathy 1G (CMD1G). Identifiers: Orphanet 154, MedGen C1858763, MONDO:0011400, OMIM 604145.

Submissions (2):

Ambry Genetics
Classification: Likely pathogenic for Cardiovascular phenotype. Last evaluated: 2024-07-26. Review status: criteria provided, single submitter. Criteria: Ambry Variant Classification Scheme 2023. Collection method: clinical testing. Allele origin: germline.
Comment: The c.22391dupA variant, located in coding exon 91 of the TTN gene, results from a duplication of A at nucleotide position 22391, causing a translational frameshift with a predicted alternate stop codon (p.N7464Kfs*13). This exon is located in the A-band region of the N2-B isoform of the titin protein and is constitutively expressed in TTN transcripts (percent spliced in or PSI 100%). This variant is considered to be rare based on population cohorts in the Genome Aggregation Database (gnomAD). This alteration is expected to result in loss of function by premature protein truncation or nonsense-mediated mRNA decay. While truncating variants in TTN are present in 1-3% of the general population, truncating variants in the A-band are the most common cause of dilated cardiomyopathy (DCM) (Herman DS et al. N. Engl. J. Med., 2012 Feb;366:619-28; Roberts AM et al. Sci Transl Med, 2015 Jan;7:270ra6). TTN truncating variants encoded in constitutive exons (PSI >90%) have been found to be significantly associated with DCM regardless of their position in titin (Schafer S et al. Nat. Genet., 2017 01;49:46-53). Based on the majority of available evidence to date, this variant is likely to be pathogenic.

Labcorp Genetics (formerly Invitae), Labcorp
Classification: Likely pathogenic for Dilated cardiomyopathy 1G; Autosomal recessive limb-girdle muscular dystrophy type 2J. Last evaluated: 2024-05-23. Review status: criteria provided, single submitter. Criteria: Invitae Variant Classification Sherloc (09022015). Collection method: clinical testing. Allele origin: germline.
Comment: This sequence change creates a premature translational stop signal (p.Asn16529Lysfs*13) in the TTN gene. While this is not anticipated to result in nonsense mediated decay, it is expected to create a truncated TTN protein. This variant is not present in population databases (gnomAD no frequency). This variant has not been reported in the literature in individuals affected with TTN-related conditions. Algorithms developed to predict the effect of sequence changes on RNA splicing suggest that this variant may disrupt the consensus splice site. This variant is located in the A band of TTN (PMID: 25589632). Truncating variants in this region are significantly overrepresented in patients affected with dilated cardiomyopathy (PMID: 25589632). Truncating variants in this region have also been reported in individuals affected with autosomal recessive centronuclear myopathy (PMID: 23975875). In summary, the currently available evidence indicates that the variant is pathogenic, but additional data are needed to prove that conclusively. Therefore, this variant has been classified as Likely Pathogenic.

Literature cited by the submitters: PubMed 25589632 (cited by Labcorp Genetics (formerly Invitae), Labcorp); PubMed 23975875 (cited by Labcorp Genetics (formerly Invitae), Labcorp).

NM_001267550.2(TTN):c.49586dup (p.Asn16529fs)

Genes: TTN-AS1 (TTN antisense RNA 1; plus strand), TTN (titin; minus strand). Cytogenetic location: 2q31.2.
Variant type: Duplication.
Coding change: c.49586dup on transcript NM_001267550.2 (MANE Select); coding-DNA position 49586, one base duplicated (A; older notation c.49586dupA).
Protein change: p.Asn16529fs; shifts the reading frame from asparagine 16529.
Molecular consequence: frameshift variant.
Genome position (GRCh38, 1-based): chr2:178,613,223, T duplicated on the plus strand (A on the coding strand, the reverse complement: TTN is on the minus strand); the first of 4 consecutive T bases (chr2:178,613,223-178,613,226); duplicating any one gives the same sequence. VCF-style (leftmost placement, unchanged base first): chr2-178613222-A-AT. GRCh37 (hg19) VCF-style: chr2-179477949-A-AT.
Other names: c.44663dup, p.Asn14888fs (NM_001256850.1); c.22391dup, p.Asn7464fs (NM_003319.4); c.41882dup, p.Asn13961fs (NM_133378.4); c.22766dup, p.Asn7589fs (NM_133432.3); c.22967dup, p.Asn7656fs (NM_133437.4); c.22391dupA (NM_003319.4); short protein forms N14888fs, N7464fs, N7589fs, N13961fs, N16529fs, N7656fs.
Identifiers: ClinVar variation 3463736 (VCV003463736.3).